The following is an entry in ClinVar:

NM_001134407.3(GRIN2A):c.3531dup (p.Leu1178fs)

Gene: GRIN2A (glutamate ionotropic receptor NMDA type subunit 2A; minus strand). Cytogenetic location: 16p13.2.
Variant type: Duplication.
Coding change: c.3531dup on transcript NM_001134407.3 (MANE Select); coding-DNA position 3531, one base duplicated (G; older notation c.3531dupG).
Protein change: p.Leu1178fs; shifts the reading frame from leucine 1178.
Molecular consequence: frameshift variant.
Genome position (GRCh38, 1-based): chr16:9,764,013, C duplicated on the plus strand (G on the coding strand, the reverse complement: GRIN2A is on the minus strand); the first of 4 consecutive C bases (chr16:9,764,013-9,764,016); duplicating any one gives the same sequence. VCF-style (leftmost placement, unchanged base first): chr16-9764012-G-GC. GRCh37 (hg19) VCF-style: chr16-9857869-G-GC.
Other names: c.3531dup, p.Leu1178fs (NM_000833.5, NM_001134408.2); short protein forms L1178fs.
Identifiers: ClinVar variation 3727466 (VCV003727466.2).
Genomic context (GRCh38, chr16:9,764,012, plus strand): 5'-AACCCTTGTCTTTCAAGGTGAAGTGCTTGGAGTAGAGTTTATACTGGTCGTTGTTGGAAA[G>GC]CCCCTCTTCATTATGCAAGGGGTTCCGGTTCATTGGCAGCGTGGAGTCCCCCTTGCGGAA-3'

ClinVar aggregate classification (germline): Pathogenic (1 of 4 stars; one submission).

Conditions:
Landau-Kleffner syndrome (FESD). Also called: EPILEPSY, FOCAL, WITH SPEECH DISORDER AND WITH OR WITHOUT MENTAL RETARDATION; APHASIA, ACQUIRED, WITH EPILEPSY. Identifiers: Orphanet 1945, Orphanet 725, Orphanet 98818, MedGen C0282512, MONDO:0009509, OMIM 245570.

Submission:

Labcorp Genetics (formerly Invitae), Labcorp
Classification: Pathogenic for Landau-Kleffner syndrome. Last evaluated: 2024-12-17. Review status: criteria provided, single submitter. Criteria: Invitae Variant Classification Sherloc (09022015). Collection method: clinical testing. Allele origin: germline.
Comment: This sequence change creates a premature translational stop signal (p.Leu1178Alafs*8) in the GRIN2A gene. While this is not anticipated to result in nonsense mediated decay, it is expected to disrupt the last 287 amino acid(s) of the GRIN2A protein. This variant is not present in population databases (gnomAD no frequency). This variant has not been reported in the literature in individuals affected with GRIN2A-related conditions. This variant disrupts a region of the GRIN2A protein in which other variant(s) (p.Ser1459Gly) have been determined to be pathogenic (PMID: 28554332, 32877683). This suggests that this is a clinically significant region of the protein, and that variants that disrupt it are likely to be disease-causing. For these reasons, this variant has been classified as Pathogenic.

Literature cited by the submitters: PubMed 28554332; PubMed 32877683.